The following is an entry in ClinVar:

ClinVar aggregate classification (germline): Pathogenic (1 of 4 stars; one submission).

Conditions:
Neurodegeneration with brain iron accumulation 5 (NBIA5). Also called: STATIC ENCEPHALOPATHY OF CHILDHOOD WITH NEURODEGENERATION IN ADULTHOOD; Beta-propeller protein-associated neurodegeneration. Identifiers: Orphanet 329284, MedGen C3550973, MONDO:0010476, OMIM 300894.

Submission:

Labcorp Genetics (formerly Invitae), Labcorp
Classification: Pathogenic for Neurodegeneration with brain iron accumulation 5. Last evaluated: 2024-09-06. Review status: criteria provided, single submitter. Criteria: Invitae Variant Classification Sherloc (09022015). Collection method: clinical testing. Allele origin: germline.
Comment: This sequence change falls in intron 8 of the WDR45 gene. It does not directly change the encoded amino acid sequence of the WDR45 protein. It affects a nucleotide within the consensus splice site. This variant is not present in population databases (gnomAD no frequency). This variant has been observed in individual(s) with clinical features of WDR45-related conditions (internal data). In at least one individual the variant was observed to be de novo. Variants that disrupt the consensus splice site are a relatively common cause of aberrant splicing (PMID: 17576681, 9536098). Algorithms developed to predict the effect of sequence changes on RNA splicing suggest that this variant may disrupt the consensus splice site. For these reasons, this variant has been classified as Pathogenic.

Literature cited by the submitters: PubMed 17576681; PubMed 9536098.

NM_001029896.2(WDR45):c.516+5G>T

Gene: WDR45 (WD repeat domain 45; minus strand). Cytogenetic location: Xp11.23.
Variant type: single nucleotide variant.
Coding change: c.516+5G>T on transcript NM_001029896.2 (MANE Select); 5 bases into the intron after coding-DNA position 516, G replaced by T.
Molecular consequence: intron variant.
Genome position (GRCh38, 1-based): chrX:49,075,861, C>A on the plus strand (G>T on the coding strand, the complement: WDR45 is on the minus strand). VCF-style: chrX-49075861-C-A. GRCh37 (hg19) VCF-style: chrX-48933520-C-A.
Other names: c.519+5G>T (NM_007075.4).
Identifiers: ClinVar variation 3662232 (VCV003662232.2).